The following is an entry in ClinVar:

NM_145046.5(CALR3):c.471C>T (p.Asn157=)

Gene: CALR3 (calreticulin 3; minus strand). Cytogenetic location: 19p13.11.
Variant type: single nucleotide variant.
Coding change: c.471C>T on transcript NM_145046.5 (MANE Select); coding-DNA position 471, C replaced by T.
Protein change: p.Asn157=; no amino-acid change (asparagine 157 retained).
Molecular consequence: synonymous variant.
Genome position (GRCh38, 1-based): chr19:16,485,184, G>A on the plus strand (C>T on the coding strand, the complement: CALR3 is on the minus strand). VCF-style: chr19-16485184-G-A. GRCh37 (hg19) VCF-style: chr19-16595995-G-A.
Identifiers: ClinVar variation 2812787 (VCV002812787.3), dbSNP rs2513191044, ClinGen allele CA505918481.

ClinVar aggregate classification (germline): Uncertain significance (1 of 4 stars; one submission).

Conditions:
Hypertrophic cardiomyopathy 19. Also called: Familial hypertrophic cardiomyopathy 19. Identifiers: MedGen CN077603, MONDO:0013476.

Submission:

Labcorp Genetics (formerly Invitae), Labcorp
Classification: Uncertain significance for Hypertrophic cardiomyopathy 19. Last evaluated: 2022-11-08. Review status: criteria provided, single submitter. Criteria: Invitae Variant Classification Sherloc (09022015). Collection method: clinical testing. Allele origin: germline.
Comment: In summary, the available evidence is currently insufficient to determine the role of this variant in disease. Therefore, it has been classified as a Variant of Uncertain Significance. Algorithms developed to predict the effect of sequence changes on RNA splicing suggest that this variant may disrupt the consensus splice site. This variant has not been reported in the literature in individuals affected with CALR3-related conditions. This variant is not present in population databases (gnomAD no frequency). This sequence change affects codon 157 of the CALR3 mRNA. It is a 'silent' change, meaning that it does not change the encoded amino acid sequence of the CALR3 protein.